The following is an entry in ClinVar:

ClinVar aggregate classification (germline): Likely benign (1 of 4 stars; one submission).

Submission:

CeGaT Center for Human Genetics Tuebingen
Classification: Likely benign. Last evaluated: 2025-01-01. Review status: criteria provided, single submitter. Criteria: CeGaT Center For Human Genetics Tuebingen Variant Classification Criteria Version 2. Collection method: clinical testing. Allele origin: germline. Affected: yes. Observed: 1 variant allele.
Comment: B4GAT1: BP4, BP7

NM_006876.3(B4GAT1):c.756C>A (p.Gly252=)

Gene: B4GAT1 (beta-1,4-glucuronyltransferase 1; minus strand). Cytogenetic location: 11q13.2.
Variant type: single nucleotide variant.
Coding change: c.756C>A on transcript NM_006876.3 (MANE Select); coding-DNA position 756, C replaced by A.
Protein change: p.Gly252=; no amino-acid change (glycine 252 retained).
Molecular consequence: synonymous variant.
Genome position (GRCh38, 1-based): chr11:66,346,790, G>T on the plus strand (C>A on the coding strand, the complement: B4GAT1 is on the minus strand). VCF-style: chr11-66346790-G-T. GRCh37 (hg19) VCF-style: chr11-66114261-G-T.
Identifiers: ClinVar variation 3771618 (VCV003771618.13).